The following is an entry in ClinVar:

ClinVar aggregate classification (germline): Pathogenic (1 of 4 stars; one submission).

Conditions:
Developmental delay, behavioral abnormalities, and neuropsychiatric disorders (DEDBANP). Identifiers: MedGen C5774224, MONDO:0859292, OMIM 620065.

Submission:

Women's Health and Genetics/Laboratory Corporation of America, LabCorp
Classification: Pathogenic for Developmental delay, behavioral abnormalities, and neuropsychiatric disorders. Last evaluated: 2024-01-04. Review status: criteria provided, single submitter. Criteria: LabCorp Variant Classification Summary - May 2015. Collection method: clinical testing. Allele origin: germline.
Comment: Variant summary: ADGRL1 c.2285_2286delTG (p.Val762GlyfsX39) results in a premature termination codon, predicted to cause a truncation of the encoded protein or absence of the protein due to nonsense mediated decay, which are commonly known mechanisms for disease. The variant was absent in 251156 control chromosomes (gnomAD). To our knowledge, no occurrence of c.2285_2286delTG in individuals affected with Developmental Delay, Behavioral Abnormalities, And Neuropsychiatric Disorders and no experimental evidence demonstrating its impact on protein function have been reported. No submitters have reported clinical-significance assessments for this variant to ClinVar. Based on the evidence outlined above, the variant was classified as pathogenic.

NM_014921.5(ADGRL1):c.2270_2271del (p.Val757fs)

Genes: ADGRL1 (adhesion G protein-coupled receptor L1; minus strand), ADGRL1-AS1 (ADGRL1 antisense RNA 1; plus strand). Cytogenetic location: 19p13.12.
Variant type: Deletion.
Coding change: c.2270_2271del on transcript NM_014921.5 (MANE Select); coding-DNA positions 2270 to 2271, 2 bases deleted (TG; older notation c.2270_2271delTG).
Protein change: p.Val757fs; shifts the reading frame from valine 757.
Molecular consequence: frameshift variant.
Genome position (GRCh38, 1-based): chr19:14,158,431-14,158,432, CA deleted on the plus strand (TG on the coding strand, the reverse complement: ADGRL1 is on the minus strand); deleting any 2 consecutive bases within chr19:14,158,431-14,158,433 gives the same sequence; the c. name uses the placement nearest the transcript's 3' end. VCF-style (leftmost placement, unchanged base first): chr19-14158430-CCA-C. GRCh37 (hg19) VCF-style: chr19-14269242-CCA-C.
Other names: c.2285_2286del, p.Val762fs (NM_001008701.3); c.2285_2286delTG (NM_001008701.3); short protein forms V757fs, V762fs.
Identifiers: ClinVar variation 3063758 (VCV003063758.1), dbSNP rs2512827446, ClinGen allele CA2576647976.